The following is an entry in ClinVar:

ClinVar aggregate classification (germline): Uncertain significance (1 of 4 stars; one submission).

Conditions:
Pyogenic arthritis-pyoderma gangrenosum-acne syndrome (PAPA). Also called: FAMILIAL RECURRENT ARTHRITIS; PAPA SYNDROME. Identifiers: Orphanet 69126, MedGen C1858361, MONDO:0011462, OMIM 604416.

Allele frequency attached by ClinVar (database versions not stated): gnomAD exomes below 0.00001; ExAC 0.00002.

Submission:

Labcorp Genetics (formerly Invitae), Labcorp
Classification: Uncertain significance for Pyogenic arthritis-pyoderma gangrenosum-acne syndrome. Last evaluated: 2022-12-12. Review status: criteria provided, single submitter. Criteria: Invitae Variant Classification Sherloc (09022015). Collection method: clinical testing. Allele origin: germline.
Comment: The frequency data for this variant in the population databases is considered unreliable, as metrics indicate poor data quality at this position in the gnomAD database. In summary, the available evidence is currently insufficient to determine the role of this variant in disease. Therefore, it has been classified as a Variant of Uncertain Significance. Advanced modeling of protein sequence and biophysical properties (such as structural, functional, and spatial information, amino acid conservation, physicochemical variation, residue mobility, and thermodynamic stability) performed at Invitae indicates that this missense variant is not expected to disrupt PSTPIP1 protein function. ClinVar contains an entry for this variant (Variation ID: 1418864). This variant has not been reported in the literature in individuals affected with PSTPIP1-related conditions. This sequence change replaces alanine, which is neutral and non-polar, with threonine, which is neutral and polar, at codon 151 of the PSTPIP1 protein (p.Ala151Thr).

NM_003978.5(PSTPIP1):c.451G>A (p.Ala151Thr)

Gene: PSTPIP1 (proline-serine-threonine phosphatase interacting protein 1; plus strand). Cytogenetic location: 15q24.3.
Variant type: single nucleotide variant.
Coding change: c.451G>A on transcript NM_003978.5 (MANE Select); coding-DNA position 451, G replaced by A.
Protein change: p.Ala151Thr; replaces alanine 151 with threonine.
Molecular consequence: missense variant. On other transcripts: non-coding transcript variant (1).
Genome position (GRCh38, 1-based): chr15:77,028,587, G>A. VCF-style: chr15-77028587-G-A. GRCh37 (hg19) VCF-style: chr15-77320928-G-A.
Other names: c.451G>A, p.Ala151Thr (NM_001321135.2); c.424G>A, p.Ala142Thr (NM_001321136.2); c.646G>A, p.Ala216Thr (NM_001321137.1); short protein forms A142T, A151T, A216T.
Identifiers: ClinVar variation 1418864 (VCV001418864.6), dbSNP rs1141043, ClinGen allele CA7675828.